The following is an entry in ClinVar:

NM_000038.6(APC):c.7071G>C (p.Lys2357Asn)

Gene: APC (APC regulator of Wnt signaling pathway; plus strand). Cytogenetic location: 5q22.2.
Variant type: single nucleotide variant.
Coding change: c.7071G>C on transcript NM_000038.6 (MANE Select); coding-DNA position 7071, G replaced by C.
Protein change: p.Lys2357Asn; replaces lysine 2357 with asparagine.
Molecular consequence: missense variant.
Genome position (GRCh38, 1-based): chr5:112,842,665, G>C. VCF-style: chr5-112842665-G-C. GRCh37 (hg19) VCF-style: chr5-112178362-G-C.
Other names: c.7071G>C, p.Lys2357Asn (NM_001127510.3, NM_001354895.2, NM_001407450.1); c.7017G>C, p.Lys2339Asn (NM_001127511.3); c.7125G>C, p.Lys2375Asn (NM_001354896.2, NM_001407447.1, NM_001407448.1 and 1 more transcripts); c.7101G>C, p.Lys2367Asn (NM_001354897.2); c.6996G>C, p.Lys2332Asn (NM_001354898.2); c.7071G>C (NM_000038.5); c.6987G>C, p.Lys2329Asn (NM_001354899.2); c.6948G>C, p.Lys2316Asn (NM_001354900.2); and 12 more; short protein forms K1973N, K2074N, K2332N, K2347N, K2350N, K2339N, K2375N, K2197N.
Identifiers: ClinVar variation 2188316 (VCV002188316.5), dbSNP rs1249303627, ClinGen allele CA16036737.

ClinVar aggregate classification (germline): Uncertain significance. Review status: criteria provided, multiple submitters, no conflicts (2 of 4 stars). 3 submissions from 3 submitters: Uncertain significance (3). Last evaluated 2025-07-04.

Conditions:
Hereditary cancer-predisposing syndrome. Also called: Hereditary Cancer Syndrome; Tumor predisposition; Hereditary neoplastic syndrome; Neoplastic Syndromes, Hereditary. Identifiers: Orphanet 140162, MedGen C0027672, MeSH D009386, MONDO:0015356.
Familial adenomatous polyposis 1 (FAP1). Also called: FAMILIAL ADENOMATOUS POLYPOSIS 1, ATTENUATED; POLYPOSIS, ADENOMATOUS INTESTINAL. Identifiers: MedGen C2713442, MONDO:0021056, OMIM 175100. Disease mechanism: loss of function.

gnomAD v4.1: 1 of 1,613,700 alleles (0.000062%); highest among the groups gnomAD compares: Non-Finnish European, 0.000085%; no homozygotes.

Submissions (3):

Labcorp Genetics (formerly Invitae), Labcorp
Classification: Uncertain significance for Familial adenomatous polyposis 1. Last evaluated: 2025-07-04. Review status: criteria provided, single submitter. Criteria: Invitae Variant Classification Sherloc (09022015). Collection method: clinical testing. Allele origin: germline.
Comment: This sequence change replaces lysine, which is basic and polar, with asparagine, which is neutral and polar, at codon 2357 of the APC protein (p.Lys2357Asn). This variant is not present in population databases (gnomAD no frequency). This variant has not been reported in the literature in individuals affected with APC-related conditions. ClinVar contains an entry for this variant (Variation ID: 2188316). Invitae Evidence Modeling of protein sequence and biophysical properties (such as structural, functional, and spatial information, amino acid conservation, physicochemical variation, residue mobility, and thermodynamic stability) indicates that this missense variant is not expected to disrupt APC protein function with a negative predictive value of 95%. In summary, the available evidence is currently insufficient to determine the role of this variant in disease. Therefore, it has been classified as a Variant of Uncertain Significance.

Color Diagnostics, LLC DBA Color Health
Classification: Uncertain significance for Hereditary cancer-predisposing syndrome. Last evaluated: 2025-06-29. Review status: criteria provided, single submitter. Criteria: ACMG Guidelines, 2015. Collection method: clinical testing. Allele origin: germline.
Comment: This missense variant replaces lysine with asparagine at codon 2357 of the APC protein. Computational prediction suggests that this variant may not impact protein structure and function. To our knowledge, functional studies have not been reported for this variant. This variant has not been reported in individuals affected with APC-related disorders in the literature. This variant has not been identified in the general population by the Genome Aggregation Database (gnomAD). The available evidence is insufficient to determine the role of this variant in disease conclusively. Therefore, this variant is classified as a Variant of Uncertain Significance.

Ambry Genetics
Classification: Uncertain significance for Hereditary cancer-predisposing syndrome. Last evaluated: 2025-04-19. Review status: criteria provided, single submitter. Criteria: Ambry Variant Classification Scheme 2023. Collection method: clinical testing. Allele origin: germline.
Comment: The p.K2357N variant (also known as c.7071G>C), located in coding exon 15 of the APC gene, results from a G to C substitution at nucleotide position 7071. The lysine at codon 2357 is replaced by asparagine, an amino acid with similar properties. This amino acid position is conserved. In addition, in silico predictors for this gene do not accurately predict pathogenicity. Based on the available evidence, the clinical significance of this variant remains unclear.